The following is an entry in ClinVar:

ClinVar aggregate classification (germline): Uncertain significance (1 of 4 stars; one submission).

Conditions:
Spastic paraplegia. Identifiers: MedGen C0037772, HP:0001258.

Allele frequency attached by ClinVar (database versions not stated): gnomAD exomes below 0.00001.

Submission:

Labcorp Genetics (formerly Invitae), Labcorp
Classification: Uncertain significance for Spastic paraplegia. Last evaluated: 2022-10-19. Review status: criteria provided, single submitter. Criteria: Invitae Variant Classification Sherloc (09022015). Collection method: clinical testing. Allele origin: germline.
Comment: In summary, the available evidence is currently insufficient to determine the role of this variant in disease. Therefore, it has been classified as a Variant of Uncertain Significance. Advanced modeling of protein sequence and biophysical properties (such as structural, functional, and spatial information, amino acid conservation, physicochemical variation, residue mobility, and thermodynamic stability) performed at Invitae indicates that this missense variant is not expected to disrupt GBA2 protein function. This variant has not been reported in the literature in individuals affected with GBA2-related conditions. This variant is not present in population databases (gnomAD no frequency). This sequence change replaces glutamic acid, which is acidic and polar, with lysine, which is basic and polar, at codon 281 of the GBA2 protein (p.Glu281Lys).

NM_020944.3(GBA2):c.841G>A (p.Glu281Lys)

Gene: GBA2 (glucosylceramidase beta 2; minus strand). Cytogenetic location: 9p13.3.
Variant type: single nucleotide variant.
Coding change: c.841G>A on transcript NM_020944.3 (MANE Select); coding-DNA position 841, G replaced by A.
Protein change: p.Glu281Lys; replaces glutamic acid 281 with lysine.
Molecular consequence: missense variant.
Genome position (GRCh38, 1-based): chr9:35,741,010, C>T on the plus strand (G>A on the coding strand, the complement: GBA2 is on the minus strand). VCF-style: chr9-35741010-C-T. GRCh37 (hg19) VCF-style: chr9-35741007-C-T.
Other names: c.841G>A, p.Glu281Lys (NM_001330660.2); short protein forms E281K.
Identifiers: ClinVar variation 2955768 (VCV002955768.1), dbSNP rs2490897476, ClinGen allele CA373416537.